The following is an entry in ClinVar:

ClinVar aggregate classification (germline): Uncertain significance (1 of 4 stars; one submission).

Conditions:
Hereditary cancer-predisposing syndrome. Also called: Neoplastic Syndromes, Hereditary; Hereditary Cancer Syndrome; Hereditary neoplastic syndrome; Tumor predisposition. Identifiers: Orphanet 140162, MedGen C0027672, MeSH D009386, MONDO:0015356.

Submission:

Ambry Genetics
Classification: Uncertain significance for Hereditary cancer-predisposing syndrome. Last evaluated: 2023-05-11. Review status: criteria provided, single submitter. Criteria: Ambry Variant Classification Scheme 2023. Collection method: clinical testing. Allele origin: germline.
Comment: The p.D1421V variant (also known as c.4262A>T), located in coding exon 22 of the DICER1 gene, results from an A to T substitution at nucleotide position 4262. The aspartic acid at codon 1421 is replaced by valine, an amino acid with highly dissimilar properties. This amino acid position is conserved. In addition, the in silico prediction for this alteration is inconclusive. Since supporting evidence is limited at this time, the clinical significance of this alteration remains unclear.

NM_177438.3(DICER1):c.4262A>T (p.Asp1421Val)

Gene: DICER1 (dicer 1, ribonuclease III; minus strand). Cytogenetic location: 14q32.13.
Variant type: single nucleotide variant.
Coding change: c.4262A>T on transcript NM_177438.3 (MANE Select); coding-DNA position 4262, A replaced by T.
Protein change: p.Asp1421Val; replaces aspartic acid 1421 with valine.
Molecular consequence: missense variant. On other transcripts: non-coding transcript variant (6).
Genome position (GRCh38, 1-based): chr14:95,096,658, T>A on the plus strand (A>T on the coding strand, the complement: DICER1 is on the minus strand). VCF-style: chr14-95096658-T-A. GRCh37 (hg19) VCF-style: chr14-95562995-T-A.
Other names: c.4262A>T, p.Asp1421Val (NM_001195573.1, NM_001271282.3, NM_001291628.2 and 13 more transcripts); c.3980A>T, p.Asp1327Val (NM_001395686.1); c.3857A>T, p.Asp1286Val (NM_001395687.1, NM_001395688.1, NM_001395689.1 and 2 more transcripts); c.3695A>T, p.Asp1232Val (NM_001395691.1); c.2579A>T, p.Asp860Val (NM_001395697.1); short protein forms D1327V, D1286V, D1421V, D860V, D1232V.
Identifiers: ClinVar variation 2566197 (VCV002566197.2), dbSNP rs1890378553, ClinGen allele CA390869646.